The following is an entry in ClinVar:

NM_001378454.1(ALMS1):c.1557G>A (p.Gln519=)

Gene: ALMS1 (ALMS1 centrosome and basal body associated protein; plus strand). Cytogenetic location: 2p13.1.
Variant type: single nucleotide variant.
Coding change: c.1557G>A on transcript NM_001378454.1 (MANE Select); coding-DNA position 1557, G replaced by A.
Protein change: p.Gln519=; no amino-acid change (glutamine 519 retained).
Molecular consequence: synonymous variant.
Genome position (GRCh38, 1-based): chr2:73,448,084, G>A. VCF-style: chr2-73448084-G-A. GRCh37 (hg19) VCF-style: chr2-73675214-G-A.
Other names: c.1560G>A, p.Gln520= (NM_015120.4).
Identifiers: ClinVar variation 513348 (VCV000513348.14), dbSNP rs764869245, ClinGen allele CA1713192.

ClinVar aggregate classification (germline): Likely benign. Review status: criteria provided, multiple submitters, no conflicts (2 of 4 stars). 4 submissions from 4 submitters: Likely benign (4). Last evaluated 2025-11-01.

Conditions:
Cardiovascular phenotype. Identifiers: MedGen CN230736.
Alstrom syndrome (ALMS). Identifiers: Orphanet 64, MedGen C0268425, MONDO:0008763, OMIM 203800.

Allele frequency attached by ClinVar (database versions not stated): gnomAD exomes below 0.00001 and 0.00002; ExAC 0.00002; gnomAD 0.00005 and 0.00006; TOPMed 0.00006.
gnomAD v4.1: 13 of 1,596,292 alleles (0.00081%); highest among the groups gnomAD compares: African/African-American, 0.018%; no homozygotes.

Submissions (4):

Women's Health and Genetics/Laboratory Corporation of America, LabCorp
Classification: Likely benign. Last evaluated: 2025-11-01. Review status: criteria provided, single submitter. Criteria: LabCorp Variant Classification Summary - May 2015. Collection method: clinical testing. Allele origin: germline.

Labcorp Genetics (formerly Invitae), Labcorp
Classification: Likely benign for Alstrom syndrome. Last evaluated: 2025-08-30. Review status: criteria provided, single submitter. Criteria: Invitae Variant Classification Sherloc (09022015). Collection method: clinical testing. Allele origin: germline.

Ambry Genetics
Classification: Likely benign for Cardiovascular phenotype. Last evaluated: 2020-09-13. Review status: criteria provided, single submitter. Criteria: Ambry Variant Classification Scheme 2023. Collection method: clinical testing. Allele origin: germline.

GeneDx
Classification: Likely benign. Last evaluated: 2017-11-20. Review status: criteria provided, single submitter. Criteria: GeneDx Variant Classification (06012015). Collection method: clinical testing. Allele origin: germline. Affected: yes.
Comment: This variant is considered likely benign or benign based on one or more of the following criteria: it is a conservative change, it occurs at a poorly conserved position in the protein, it is predicted to be benign by multiple in silico algorithms, and/or has population frequency not consistent with disease.